The following is an entry in ClinVar:

ClinVar aggregate classification (germline): Conflicting classifications of pathogenicity. Review status: criteria provided, conflicting classifications (1 of 4 stars). 5 submissions from 3 submitters: Uncertain significance (1); Benign (2); Likely benign (2). Last evaluated 2026-01-31.

Conditions:
Retinitis pigmentosa (RP). Identifiers: Orphanet 791, MedGen C0035334, MeSH D012174, MONDO:0019200, OMIM 268000. Inheritance: Autosomal dominant, autosomal recessive and X linked inheritance.
Newfoundland cone-rod dystrophy. Identifiers: MedGen C1843815, MONDO:0011839, OMIM 607476.
Pigmentary retinal dystrophy. Also called: Fundus albipunctatus. Identifiers: Orphanet 227796, Orphanet 52427, MedGen C0311338, MONDO:0007639, OMIM 136880, HP:0030642.

Allele frequency attached by ClinVar (database versions not stated): gnomAD exomes 0.00105; ExAC 0.00123; ESP Exome Variant Server 0.00308; gnomAD 0.00386 and 0.00409; TOPMed 0.00492; 1000 Genomes Project 0.00499; 1000 Genomes Project 30x 0.00500.

Submissions (5):

Labcorp Genetics (formerly Invitae), Labcorp
Classification: Benign. Last evaluated: 2026-01-31. Review status: criteria provided, single submitter. Criteria: Invitae Variant Classification Sherloc (09022015). Collection method: clinical testing. Allele origin: germline.

Blueprint Genetics
Classification: Likely benign. Last evaluated: 2024-11-06. Review status: criteria provided, single submitter. Criteria: ACMG Guidelines, 2015. Collection method: clinical testing. Allele origin: germline.

Illumina Laboratory Services, Illumina
Classification: Likely benign for Pigmentary retinal dystrophy. Last evaluated: 2018-01-13. Review status: criteria provided, single submitter. Criteria: ICSL Variant Classification Criteria 13 December 2019. Collection method: clinical testing. Allele origin: germline.
Comment: This variant was observed in the ICSL laboratory as part of a predisposition screen in an ostensibly healthy population. It had not been previously curated by ICSL or reported in the Human Gene Mutation Database (HGMD: prior to June 1st, 2018), and was therefore a candidate for classification through an automated scoring system. Utilizing variant allele frequency, disease prevalence and penetrance estimates, and inheritance mode, an automated score was calculated to assess if this variant is too frequent to cause the disease. Based on the score and internal cut-off values, a variant classified as likely benign is not then subjected to further curation. The score for this variant resulted in a classification of likely benign for this disease.

Illumina Laboratory Services, Illumina
Classification: Benign for Newfoundland cone-rod dystrophy. Last evaluated: 2018-01-13. Review status: criteria provided, single submitter. Criteria: ICSL Variant Classification Criteria 13 December 2019. Collection method: clinical testing. Allele origin: germline.
Comment: This variant was observed in the ICSL laboratory as part of a predisposition screen in an ostensibly healthy population. It had not been previously curated by ICSL or reported in the Human Gene Mutation Database (HGMD: prior to June 1st, 2018), and was therefore a candidate for classification through an automated scoring system. Utilizing variant allele frequency, disease prevalence and penetrance estimates, and inheritance mode, an automated score was calculated to assess if this variant is too frequent to cause the disease. Based on the score and internal cut-off values, a variant classified as benign is not then subjected to further curation. The score for this variant resulted in a classification of benign for this disease.

Illumina Laboratory Services, Illumina
Classification: Uncertain significance for Retinitis pigmentosa. Last evaluated: 2018-01-13. Review status: criteria provided, single submitter. Criteria: ICSL Variant Classification Criteria 13 December 2019. Collection method: clinical testing. Allele origin: germline.

NM_000326.5(RLBP1):c.796-7C>G

Gene: RLBP1 (retinaldehyde binding protein 1; minus strand). Cytogenetic location: 15q26.1.
Variant type: single nucleotide variant.
Coding change: c.796-7C>G on transcript NM_000326.5 (MANE Select); 7 bases into the intron before coding-DNA position 796, C replaced by G.
Molecular consequence: intron variant.
Genome position (GRCh38, 1-based): chr15:89,210,450, G>C on the plus strand (C>G on the coding strand, the complement: RLBP1 is on the minus strand). VCF-style: chr15-89210450-G-C. GRCh37 (hg19) VCF-style: chr15-89753681-G-C.
Identifiers: ClinVar variation 317235 (VCV000317235.16), dbSNP rs74029958, ClinGen allele CA7722171.